The following is an entry in ClinVar:

ClinVar aggregate classification (germline): Conflicting classifications of pathogenicity. Review status: criteria provided, conflicting classifications (1 of 4 stars). 2 submissions from 2 submitters: Uncertain significance (1); Likely benign (1). Last evaluated 2023-03-23.

Conditions:
Hereditary cancer-predisposing syndrome. Also called: Neoplastic Syndromes, Hereditary; Tumor predisposition; Hereditary Cancer Syndrome; Hereditary neoplastic syndrome. Identifiers: Orphanet 140162, MedGen C0027672, MeSH D009386, MONDO:0015356.

Allele frequency attached by ClinVar (database versions not stated): gnomAD exomes below 0.00001.
gnomAD v4.1: 1 of 1,607,060 alleles (0.000062%); highest among the groups gnomAD compares: Non-Finnish European, 0.000085%; no homozygotes.

Submissions (2):

University of Washington Department of Laboratory Medicine, University of Washington
Classification: Likely benign for Hereditary cancer-predisposing syndrome. Last evaluated: 2023-03-23. Review status: criteria provided, single submitter. Criteria: Dines et al. (Genet Med. 2020). Collection method: curation. Allele origin: germline.
Comment: Missense variant in a coldspot region where missense variants are very unlikely to be pathogenic (PMID:31911673).

BRCA2 exon 11 coldspot. Reclassification based on statistical prior probability.

Ambry Genetics
Classification: Uncertain significance for Hereditary cancer-predisposing syndrome. Last evaluated: 2016-11-03. Review status: criteria provided, single submitter. Criteria: Ambry Variant Classification Scheme 2023. Collection method: clinical testing. Allele origin: germline.
Comment: The p.E2121D variant (also known as c.6363A>T), located in coding exon 10 of the BRCA2 gene, results from an A to T substitution at nucleotide position 6363. The glutamic acid at codon 2121 is replaced by aspartic acid, an amino acid with highly similar properties. This variant was not reported in population based cohorts in the following databases: Database of Single Nucleotide Polymorphisms (dbSNP), NHLBI Exome Sequencing Project (ESP), and 1000 Genomes Project. In the ESP, this variant was not observed in 6493 samples (12986 alleles) with coverage at this position. To date, this alteration has been detected with an allele frequency of approximately 0.0003% (greater than 300000 alleles tested) in our clinical cohort. This amino acid position is poorly conserved in available vertebrate species. In addition, this alteration is predicted to be tolerated by in silico analysis. Since supporting evidence is limited at this time, the clinical significance of this alteration remains unclear.

NM_000059.4(BRCA2):c.6363A>T (p.Glu2121Asp)

Gene: BRCA2 (BRCA2 DNA repair associated; plus strand). Cytogenetic location: 13q13.1.
Variant type: single nucleotide variant.
Coding change: c.6363A>T on transcript NM_000059.4 (MANE Select); coding-DNA position 6363, A replaced by T.
Protein change: p.Glu2121Asp; replaces glutamic acid 2121 with aspartic acid.
Molecular consequence: missense variant.
Genome position (GRCh38, 1-based): chr13:32,340,718, A>T. VCF-style: chr13-32340718-A-T. GRCh37 (hg19) VCF-style: chr13-32914855-A-T.
Other names: short protein forms E2121D.
Identifiers: ClinVar variation 485425 (VCV000485425.7), dbSNP rs1555284653, ClinGen allele CA387789151.